The following is an entry in ClinVar:

NM_058216.3(RAD51C):c.93G>A (p.Gly31=)

Gene: RAD51C (RAD51 paralog C; plus strand). Cytogenetic location: 17q22.
Variant type: single nucleotide variant.
Coding change: c.93G>A on transcript NM_058216.3 (MANE Select); coding-DNA position 93, G replaced by A.
Protein change: p.Gly31=; no amino-acid change (glycine 31 retained).
Molecular consequence: synonymous variant. On other transcripts: non-coding transcript variant (1).
Genome position (GRCh38, 1-based): chr17:58,692,736, G>A. VCF-style: chr17-58692736-G-A. GRCh37 (hg19) VCF-style: chr17-56770097-G-A.
Other names: c.93G>A, p.Gly31= (NM_002876.4).
Identifiers: ClinVar variation 389267 (VCV000389267.13), dbSNP rs769255656, ClinGen allele CA16607384.
Genomic context (GRCh38, chr17:58,692,736, plus strand): 5'-GCGGGATTTGGTGAGTTTCCCGCTGTCTCCAGCGGTGCGGGTGAAGCTGGTGTCTGCGGG[G>A]TTCCAGACTGCTGAGGAACTCCTAGAGGTGAAACCCTCCGAGCTTAGCAAAGGTAACGAC-3'
Protein context (NP_478123.1, residues 21-41): PAVRVKLVSA[Gly31=]FQTAEELLEV

ClinVar aggregate classification (germline): Benign/Likely benign. Review status: criteria provided, multiple submitters, no conflicts (2 of 4 stars). 5 submissions from 5 submitters: Benign (1); Likely benign (4). Last evaluated 2025-09-01.

Conditions:
Hereditary cancer-predisposing syndrome. Also called: Neoplastic Syndromes, Hereditary; Hereditary neoplastic syndrome; Tumor predisposition; Hereditary Cancer Syndrome. Identifiers: Orphanet 140162, MedGen C0027672, MeSH D009386, MONDO:0015356.
Breast-ovarian cancer, familial, susceptibility to, 3. Also called: RAD51C-Related Breast/Ovarian Cancer. Identifiers: Orphanet 145, MedGen C3150659, MONDO:0013253, OMIM 613399.
Fanconi anemia complementation group O. Also called: RAD51C-Related Fanconi Anemia. Identifiers: Orphanet 84, MedGen C3150653, MONDO:0013248, OMIM 613390.

Allele frequency attached by ClinVar (database versions not stated): gnomAD exomes below 0.00001.
gnomAD v4.1: 2 of 1,614,258 alleles (0.00012%); highest among the groups gnomAD compares: Non-Finnish European, 0.00017%; no homozygotes.

Submissions (5):

Color Diagnostics, LLC DBA Color Health
Classification: Likely benign for Hereditary cancer-predisposing syndrome. Last evaluated: 2025-09-01. Review status: criteria provided, single submitter. Criteria: ACMG Guidelines, 2015. Collection method: clinical testing. Allele origin: germline.

Myriad Genetics, Inc.
Classification: Benign for Breast-ovarian cancer, familial, susceptibility to, 3. Last evaluated: 2025-02-14. Review status: criteria provided, single submitter. Criteria: Myriad Autosomal Dominant, Autosomal Recessive and X-Linked Classification Criteria (2023). Collection method: clinical testing. Allele origin: unknown.
Comment: This variant is considered benign. This variant is a silent/synonymous amino acid change and it is not expected to impact splicing.

Ambry Genetics
Classification: Likely benign for Hereditary cancer-predisposing syndrome. Last evaluated: 2024-11-01. Review status: criteria provided, single submitter. Criteria: Ambry Variant Classification Scheme 2023. Collection method: clinical testing. Allele origin: germline.

Labcorp Genetics (formerly Invitae), Labcorp
Classification: Likely benign for Fanconi anemia complementation group O. Last evaluated: 2022-11-15. Review status: criteria provided, single submitter. Criteria: Invitae Variant Classification Sherloc (09022015). Collection method: clinical testing. Allele origin: germline.

GeneDx
Classification: Likely benign. Last evaluated: 2016-09-09. Review status: criteria provided, single submitter. Criteria: GeneDx Variant Classification (06012015). Collection method: clinical testing. Allele origin: germline. Affected: yes.
Comment: This variant is considered likely benign or benign based on one or more of the following criteria: it is a conservative change, it occurs at a poorly conserved position in the protein, it is predicted to be benign by multiple in silico algorithms, and/or has population frequency not consistent with disease.